The following is an entry in ClinVar:

NM_000059.4(BRCA2):c.5947G>A (p.Gly1983Arg)

Gene: BRCA2 (BRCA2 DNA repair associated; plus strand). Cytogenetic location: 13q13.1.
Variant type: single nucleotide variant.
Coding change: c.5947G>A on transcript NM_000059.4 (MANE Select); coding-DNA position 5947, G replaced by A.
Protein change: p.Gly1983Arg; replaces glycine 1983 with arginine.
Molecular consequence: missense variant.
Genome position (GRCh38, 1-based): chr13:32,340,302, G>A. VCF-style: chr13-32340302-G-A. GRCh37 (hg19) VCF-style: chr13-32914439-G-A.
Other names: short protein forms G1983R.
Identifiers: ClinVar variation 433797 (VCV000433797.15), dbSNP rs1555284478, ClinGen allele CA387787581.

ClinVar aggregate classification (germline): Conflicting classifications of pathogenicity. Review status: criteria provided, conflicting classifications (1 of 4 stars). 4 submissions from 4 submitters: Uncertain significance (2); Likely benign (1). 1 of the submissions does not count toward it. Last evaluated 2026-04-26.

Conditions:
Hereditary cancer-predisposing syndrome. Also called: Hereditary Cancer Syndrome; Tumor predisposition; Hereditary neoplastic syndrome; Neoplastic Syndromes, Hereditary. Identifiers: Orphanet 140162, MedGen C0027672, MeSH D009386, MONDO:0015356.
Malignant tumor of breast. Also called: Malignant breast neoplasm; Cancer breast. Identifiers: MedGen C0006142, MONDO:0007254. Disease mechanism: loss of function.
Hereditary breast ovarian cancer syndrome. Also called: Hereditary breast and ovarian cancer syndrome; Hereditary breast and/or ovarian cancer syndrome; Hereditary breast and ovarian cancer syndrome (HBOC); Hereditary breast and ovarian cancer; Breast and ovarian cancer; BRCA1- and BRCA2-Associated Hereditary Breast and Ovarian Cancer. Identifiers: Orphanet 145, MedGen C0677776, MeSH D061325, MONDO:0003582. Disease mechanism: loss of function.

Submissions (4):

Ambry Genetics
Classification: Uncertain significance for Hereditary cancer-predisposing syndrome. Last evaluated: 2026-04-26. Review status: criteria provided, single submitter. Criteria: Ambry Variant Classification Scheme 2023. Collection method: clinical testing. Allele origin: germline.
Comment: The p.G1983R variant (also known as c.5947G>A), located in coding exon 10 of the BRCA2 gene, results from a G to A substitution at nucleotide position 5947. The glycine at codon 1983 is replaced by arginine, an amino acid with dissimilar properties. This amino acid position is conserved. In addition, this alteration is predicted to be deleterious by in silico analysis. Based on the available evidence, the clinical significance of this variant remains unclear.

University of Washington Department of Laboratory Medicine, University of Washington
Classification: Likely benign for Hereditary cancer-predisposing syndrome. Last evaluated: 2023-03-23. Review status: criteria provided, single submitter. Criteria: Dines et al. (Genet Med. 2020). Collection method: curation. Allele origin: germline.
Comment: Missense variant in a coldspot region where missense variants are very unlikely to be pathogenic (PMID:31911673).

BRCA2 exon 11 coldspot. Reclassification based on statistical prior probability.

Labcorp Genetics (formerly Invitae), Labcorp
Classification: Uncertain significance for Hereditary breast ovarian cancer syndrome. Last evaluated: 2018-08-02. Review status: criteria provided, single submitter. Criteria: Invitae Variant Classification Sherloc (09022015). Collection method: clinical testing. Allele origin: germline.
Comment: In summary, the available evidence is currently insufficient to determine the role of this variant in disease. Therefore, it has been classified as a Variant of Uncertain Significance. This variant is not present in population databases (ExAC no frequency). Algorithms developed to predict the effect of missense changes on protein structure and function (SIFT, PolyPhen-2, Align-GVGD) all suggest that this variant is likely to be disruptive, but these predictions have not been confirmed by published functional studies and their clinical significance is uncertain. This variant has not been reported in the literature in individuals with BRCA2-related disease. ClinVar contains an entry for this variant (Variation ID: 433797). This sequence change replaces glycine with arginine at codon 1983 of the BRCA2 protein (p.Gly1983Arg). The glycine residue is highly conserved and there is a moderate physicochemical difference between glycine and arginine.

Department of Pathology and Laboratory Medicine, Sinai Health System
Classification: Uncertain significance for Malignant tumor of breast. Review status: no assertion criteria provided. Collection method: clinical testing. Allele origin: unknown. Affected: yes. Study: The Canadian Open Genetics Repository (COGR). Not counted in ClinVar's aggregate classification.
Comment: The BRCA2 p.Gly1983Arg variant was not identified in the literature nor was it identified in the dbSNP, NHLBI Exome Sequencing Project (Exome Variant Server), HGMD, LOVD, COSMIC, UMD, ClinVar, or BIC databases. The p.Gly1983 residue is conserved across mammals and lower organisms, and computational analyses (PolyPhen-2, SIFT, AlignGVGD, BLOSUM, MutationTaster) suggest that the p.Gly1983Arg variant may impact the protein. However, this information is not predictive enough to assume pathogenicity. In summary, based on the above information, the clinical significance of this variant cannot be determined with certainty at this time. This variant is classified as a variant of unknown significance.